The following is an entry in ClinVar:

NM_001348323.3(TRIP12):c.4997G>A (p.Arg1666His)

Gene: TRIP12 (thyroid hormone receptor interactor 12; minus strand). Cytogenetic location: 2q36.3.
Variant type: single nucleotide variant.
Coding change: c.4997G>A on transcript NM_001348323.3 (MANE Select); coding-DNA position 4997, G replaced by A.
Protein change: p.Arg1666His; replaces arginine 1666 with histidine.
Molecular consequence: missense variant.
Genome position (GRCh38, 1-based): chr2:229,785,854, C>T on the plus strand (G>A on the coding strand, the complement: TRIP12 is on the minus strand). VCF-style: chr2-229785854-C-T. GRCh37 (hg19) VCF-style: chr2-230650570-C-T.
Other names: c.4772G>A (NM_004238.1); c.4916G>A, p.Arg1639His (NM_001284214.2, NM_001348315.2); c.4871G>A, p.Arg1624His (NM_001284215.2, NM_001348316.2); c.3962G>A, p.Arg1321His (NM_001284216.2); c.4856G>A, p.Arg1619His (NM_001348317.1, NM_001348318.2); c.4982G>A, p.Arg1661His (NM_001348319.1, NM_001348320.2); c.4985G>A, p.Arg1662His (NM_001348321.1); c.4997G>A, p.Arg1666His (NM_001348322.1, NM_001348324.2, NM_001348325.2 and 2 more transcripts); and 5 more; short protein forms R1321H, R1591H, R1592H, R1619H, R1624H, R1632H, R1639H, R1640H.
Identifiers: ClinVar variation 1305011 (VCV001305011.3), dbSNP rs1450608297, ClinGen allele CA350890981.

ClinVar aggregate classification (germline): Uncertain significance. Review status: criteria provided, multiple submitters, no conflicts (2 of 4 stars). 2 submissions from 2 submitters: Uncertain significance (2). Last evaluated 2026-01-14.

Conditions:
Inborn genetic diseases. Identifiers: MedGen C0950123, MeSH D030342.

Allele frequency attached by ClinVar (database versions not stated): gnomAD exomes below 0.00001; gnomAD 0.00001; TOPMed 0.00001.
gnomAD v4.1: 5 of 1,610,854 alleles (0.00031%); highest among the groups gnomAD compares: Non-Finnish European, 0.00034%; no homozygotes.

Submissions (2):

Ambry Genetics
Classification: Uncertain significance for Inborn genetic diseases. Last evaluated: 2026-01-14. Review status: criteria provided, single submitter. Criteria: Ambry Variant Classification Scheme 2023. Collection method: clinical testing. Allele origin: germline.
Comment: The c.4772G>A (p.R1591H) alteration is located in exon 33 (coding exon 32) of the TRIP12 gene. This alteration results from a G to A substitution at nucleotide position 4772, causing the arginine (R) at amino acid position 1591 to be replaced by a histidine (H). Based on data from gnomAD, the A allele has an overall frequency of <0.001% (1/248490) total alleles studied. The highest observed frequency was <0.001% (/) of alleles. Based on insufficient or conflicting evidence, the clinical significance of this alteration remains unclear.

GeneDx
Classification: Uncertain significance. Last evaluated: 2019-04-08. Review status: criteria provided, single submitter. Criteria: GeneDx Variant Classification Process June 2021. Collection method: clinical testing. Allele origin: germline. Affected: yes.
Comment: Not observed in large population cohorts (Lek et al., 2016); In silico analysis, which includes protein predictors and evolutionary conservation, supports a deleterious effect; Has not been previously published as pathogenic or benign to our knowledge